The following is an entry in ClinVar:

NM_000089.4(COL1A2):c.3730G>A (p.Gly1244Arg)

Gene: COL1A2 (collagen type I alpha 2 chain; plus strand). Cytogenetic location: 7q21.3.
Variant type: single nucleotide variant.
Coding change: c.3730G>A on transcript NM_000089.4 (MANE Select); coding-DNA position 3730, G replaced by A.
Protein change: p.Gly1244Arg; replaces glycine 1244 with arginine.
Molecular consequence: missense variant.
Genome position (GRCh38, 1-based): chr7:94,429,206, G>A. VCF-style: chr7-94429206-G-A. GRCh37 (hg19) VCF-style: chr7-94058518-G-A.
Other names: short protein forms G1244R.
Identifiers: ClinVar variation 3758300 (VCV003758300.2).

ClinVar aggregate classification (germline): Uncertain significance (1 of 4 stars; one submission).

Conditions:
Ehlers-Danlos syndrome, classic type, 1 (EDSCL1). Also called: EHLERS-DANLOS SYNDROME, GRAVIS TYPE; EHLERS-DANLOS SYNDROME, SEVERE CLASSIC TYPE; Ehlers-Danlos syndrome, type 1; Ehlers-Danlos Syndrome, Classic Type, COL5A1-Related; EDS I. Identifiers: MedGen C0268335, MONDO:0019567, OMIM 130000.
Osteogenesis imperfecta type I (OI1). Also called: OI, TYPE I; OSTEOGENESIS IMPERFECTA TARDA; OSTEOGENESIS IMPERFECTA WITH BLUE SCLERAE; Osteogenesis imperfecta type 1; Lobstein's Disease; Lobstein disease. Identifiers: Orphanet 216796, Orphanet 666, MedGen C0023931, MONDO:0008146, OMIM 166200. Disease mechanism: loss of function.

Submission:

Labcorp Genetics (formerly Invitae), Labcorp
Classification: Uncertain significance for Osteogenesis imperfecta type I; Ehlers-Danlos syndrome, classic type, 1. Last evaluated: 2024-10-30. Review status: criteria provided, single submitter. Criteria: Invitae Variant Classification Sherloc (09022015). Collection method: clinical testing. Allele origin: germline.
Comment: This sequence change replaces glycine, which is neutral and non-polar, with arginine, which is basic and polar, at codon 1244 of the COL1A2 protein (p.Gly1244Arg). This variant is present in population databases (rs537318151, gnomAD 0.007%). This variant has not been reported in the literature in individuals affected with COL1A2-related conditions. Invitae Evidence Modeling of protein sequence and biophysical properties (such as structural, functional, and spatial information, amino acid conservation, physicochemical variation, residue mobility, and thermodynamic stability) indicates that this missense variant is not expected to disrupt COL1A2 protein function with a negative predictive value of 80%. In summary, the available evidence is currently insufficient to determine the role of this variant in disease. Therefore, it has been classified as a Variant of Uncertain Significance.